The following is an entry in ClinVar:

ClinVar aggregate classification (germline): Pathogenic. Review status: criteria provided, single submitter (1 of 4 stars). 2 submissions from 2 submitters: Pathogenic (1). 1 of the submissions does not count toward it. Last evaluated 2024-02-04.

Conditions:
Immunodeficiency, common variable, 2 (CVID2). Also called: ANTIBODY DEFICIENCY DUE TO TACI DEFECT; HYPOGAMMAGLOBULINEMIA DUE TO TACI DEFICIENCY. Identifiers: Orphanet 1572, MedGen C3150354, MONDO:0009413, OMIM 240500.

Submissions (2):

Labcorp Genetics (formerly Invitae), Labcorp
Classification: Pathogenic for Immunodeficiency, common variable, 2. Last evaluated: 2024-02-04. Review status: criteria provided, single submitter. Criteria: Invitae Variant Classification Sherloc (09022015). Collection method: clinical testing. Allele origin: germline.
Comment: This sequence change creates a premature translational stop signal (p.Glu117Glyfs*35) in the TNFRSF13B gene. It is expected to result in an absent or disrupted protein product. Loss-of-function variants in TNFRSF13B are known to be pathogenic (PMID: 16007087, 27123465). This variant is not present in population databases (gnomAD no frequency). This premature translational stop signal has been observed in individual(s) with clinical features of TNFRSF13B-related conditions (PMID: 34573280). ClinVar contains an entry for this variant (Variation ID: 973680). For these reasons, this variant has been classified as Pathogenic.

UOSD Laboratory of Genetics & Genomics of Rare Diseases, Istituto Giannina Gaslini
Classification: Uncertain significance for Immunodeficiency, common variable, 2. Last evaluated: 2020-05-21. Review status: no assertion criteria provided. Collection method: clinical testing. Allele origin: germline. Affected: yes. Observed: 1 variant allele. Not counted in ClinVar's aggregate classification.

Literature cited by the submitters: PubMed 16007087 (cited by Labcorp Genetics (formerly Invitae), Labcorp); PubMed 27123465 (cited by Labcorp Genetics (formerly Invitae), Labcorp); PubMed 34573280 (cited by Labcorp Genetics (formerly Invitae), Labcorp).

NM_012452.3(TNFRSF13B):c.350_356del (p.Glu117fs)

Gene: TNFRSF13B (TNF receptor superfamily member 13B; minus strand). Cytogenetic location: 17p11.2.
Variant type: Deletion.
Coding change: c.350_356del on transcript NM_012452.3 (MANE Select); coding-DNA positions 350 to 356, 7 bases deleted (AGCTCAG; older notation c.350_356delAGCTCAG).
Protein change: p.Glu117fs; shifts the reading frame from glutamic acid 117.
Molecular consequence: frameshift variant.
Genome position (GRCh38, 1-based): chr17:16,948,827-16,948,833, CTGAGCT deleted on the plus strand (AGCTCAG on the coding strand, the reverse complement: TNFRSF13B is on the minus strand); deleting any 7 consecutive bases within chr17:16,948,827-16,948,836 gives the same sequence; the c. name uses the placement nearest the transcript's 3' end. VCF-style (leftmost placement, unchanged base first): chr17-16948826-CCTGAGCT-C. GRCh37 (hg19) VCF-style: chr17-16852140-CCTGAGCT-C.
Other names: short protein forms E117fs.
Identifiers: ClinVar variation 973680 (VCV000973680.6), dbSNP rs1293048695, ClinGen allele CA726576493.
Genomic context (GRCh38, chr17:16,948,826, plus strand): 5'-CAATCCTTGGTACCTTCCCGAGTTGTCTGAATTGTTTTCAACTTCTCCACTCCGCTGTCT[CCTGAGCT>C]CTGGTGGAAGGTTCACTGGGCTCCTGAGCTTGTTCTCACAGAAGTATGCACATTGCTTAG-3'